The following is an entry in ClinVar:

NM_015909.4(NBAS):c.3704-2A>G

Gene: NBAS (NBAS subunit of NRZ tethering complex; minus strand). Cytogenetic location: 2p24.3.
Variant type: single nucleotide variant.
Coding change: c.3704-2A>G on transcript NM_015909.4 (MANE Select); the canonical splice acceptor site of the intron before coding-DNA position 3704, A replaced by G.
Molecular consequence: splice acceptor variant.
Genome position (GRCh38, 1-based): chr2:15,366,695, T>C on the plus strand (A>G on the coding strand, the complement: NBAS is on the minus strand). VCF-style: chr2-15366695-T-C. GRCh37 (hg19) VCF-style: chr2-15506819-T-C.
Identifiers: ClinVar variation 1464972 (VCV001464972.6), dbSNP rs2148340155, ClinGen allele CA345894669.

ClinVar aggregate classification (germline): Likely pathogenic (1 of 4 stars; one submission).

Submission:

Labcorp Genetics (formerly Invitae), Labcorp
Classification: Likely pathogenic. Last evaluated: 2021-11-20. Review status: criteria provided, single submitter. Criteria: Invitae Variant Classification Sherloc (09022015). Collection method: clinical testing. Allele origin: germline.
Comment: In summary, the currently available evidence indicates that the variant is pathogenic, but additional data are needed to prove that conclusively. Therefore, this variant has been classified as Likely Pathogenic. Algorithms developed to predict the effect of sequence changes on RNA splicing suggest that this variant may disrupt the consensus splice site. This variant has not been reported in the literature in individuals affected with NBAS-related conditions. This variant is not present in population databases (gnomAD no frequency). This sequence change affects an acceptor splice site in intron 31 of the NBAS gene. It is expected to disrupt RNA splicing. Variants that disrupt the donor or acceptor splice site typically lead to a loss of protein function (PMID: 16199547), and loss-of-function variants in NBAS are known to be pathogenic (PMID: 26073778, 26541327, 27789416, 28031453).

Literature cited by the submitters: PubMed 16199547; PubMed 26073778; PubMed 26541327; PubMed 27789416; PubMed 28031453.